The following is an entry in ClinVar:

NM_182914.3(SYNE2):c.12461G>A (p.Arg4154Lys)

Gene: SYNE2 (spectrin repeat containing nuclear envelope protein 2; plus strand). Cytogenetic location: 14q23.2.
Variant type: single nucleotide variant.
Coding change: c.12461G>A on transcript NM_182914.3 (MANE Select); coding-DNA position 12461, G replaced by A.
Protein change: p.Arg4154Lys; replaces arginine 4154 with lysine.
Molecular consequence: missense variant.
Genome position (GRCh38, 1-based): chr14:64,102,011, G>A. VCF-style: chr14-64102011-G-A. GRCh37 (hg19) VCF-style: chr14-64568729-G-A.
Other names: c.12461G>A, p.Arg4154Lys (NM_015180.6); short protein forms R4154K.
Identifiers: ClinVar variation 1367040 (VCV001367040.8), dbSNP rs1455878545, ClinGen allele CA389954389.

ClinVar aggregate classification (germline): Uncertain significance (1 of 4 stars; one submission).

Conditions:
Emery-Dreifuss muscular dystrophy 5, autosomal dominant (EDMD5). Also called: EMERY-DREIFUSS MUSCULAR DYSTROPHY 5. Identifiers: Orphanet 261, MedGen C2751805, MONDO:0013072, OMIM 612999.

Allele frequency attached by ClinVar (database versions not stated): gnomAD exomes below 0.00001; TOPMed below 0.00001; gnomAD 0.00001.
gnomAD v4.1: 2 of 1,613,870 alleles (0.00012%); highest among the groups gnomAD compares: African/African-American, 0.0027%; no homozygotes.

Submission:

Labcorp Genetics (formerly Invitae), Labcorp
Classification: Uncertain significance for Emery-Dreifuss muscular dystrophy 5, autosomal dominant. Last evaluated: 2021-06-16. Review status: criteria provided, single submitter. Criteria: Invitae Variant Classification Sherloc (09022015). Collection method: clinical testing. Allele origin: germline.
Comment: This sequence change replaces arginine with lysine at codon 4154 of the SYNE2 protein (p.Arg4154Lys). The arginine residue is weakly conserved and there is a small physicochemical difference between arginine and lysine. Algorithms developed to predict the effect of missense changes on protein structure and function (SIFT, PolyPhen-2, Align-GVGD) all suggest that this variant is likely to be tolerated, but these predictions have not been confirmed by published functional studies and their clinical significance is uncertain. In summary, the available evidence is currently insufficient to determine the role of this variant in disease. Therefore, it has been classified as a Variant of Uncertain Significance. This variant is not present in population databases (ExAC no frequency). This variant has not been reported in the literature in individuals with SYNE2-related conditions.